The following is an entry in ClinVar:

ClinVar aggregate classification (germline): Uncertain significance (1 of 4 stars; one submission).

Conditions:
Epilepsy, progressive myoclonic, 1B. Also called: PME. Identifiers: Orphanet 308, MedGen C2676254, MONDO:0012904, OMIM 612437.

Allele frequency attached by ClinVar (database versions not stated): gnomAD 0.00001; TOPMed 0.00002.
gnomAD v4.1: 4 of 1,614,026 alleles (0.00025%); highest among the groups gnomAD compares: Non-Finnish European, 0.00034%; no homozygotes.

Submission:

Labcorp Genetics (formerly Invitae), Labcorp
Classification: Uncertain significance for Epilepsy, progressive myoclonic, 1B. Last evaluated: 2022-03-14. Review status: criteria provided, single submitter. Criteria: Invitae Variant Classification Sherloc (09022015). Collection method: clinical testing. Allele origin: germline.
Comment: This sequence change replaces glycine, which is neutral and non-polar, with valine, which is neutral and non-polar, at codon 822 of the PRICKLE1 protein (p.Gly822Val). This variant is not present in population databases (gnomAD no frequency). This variant has not been reported in the literature in individuals affected with PRICKLE1-related conditions. Algorithms developed to predict the effect of missense changes on protein structure and function are either unavailable or do not agree on the potential impact of this missense change (SIFT: "Deleterious"; PolyPhen-2: "Possibly Damaging"; Align-GVGD: "Class C0"). Algorithms developed to predict the effect of sequence changes on RNA splicing suggest that this variant may create or strengthen a splice site. In summary, the available evidence is currently insufficient to determine the role of this variant in disease. Therefore, it has been classified as a Variant of Uncertain Significance.

NM_153026.3(PRICKLE1):c.2465G>T (p.Gly822Val)

Gene: PRICKLE1 (prickle planar cell polarity protein 1; minus strand). Cytogenetic location: 12q12.
Variant type: single nucleotide variant.
Coding change: c.2465G>T on transcript NM_153026.3 (MANE Select); coding-DNA position 2465, G replaced by T.
Protein change: p.Gly822Val; replaces glycine 822 with valine.
Molecular consequence: missense variant.
Genome position (GRCh38, 1-based): chr12:42,459,840, C>A on the plus strand (G>T on the coding strand, the complement: PRICKLE1 is on the minus strand). VCF-style: chr12-42459840-C-A. GRCh37 (hg19) VCF-style: chr12-42853642-C-A.
Other names: c.2465G>T, p.Gly822Val (NM_001144881.2, NM_001144882.2, NM_001144883.2); short protein forms G822V.
Identifiers: ClinVar variation 1514589 (VCV001514589.5), dbSNP rs1371533275, ClinGen allele CA384439408.